The following is an entry in ClinVar:

ClinVar aggregate classification (germline): Uncertain significance (1 of 4 stars; one submission).

Conditions:
Familial adenomatous polyposis 1 (FAP1). Also called: FAMILIAL ADENOMATOUS POLYPOSIS 1, ATTENUATED; POLYPOSIS, ADENOMATOUS INTESTINAL. Identifiers: MedGen C2713442, MONDO:0021056, OMIM 175100. Disease mechanism: loss of function.

Submission:

Labcorp Genetics (formerly Invitae), Labcorp
Classification: Uncertain significance for Familial adenomatous polyposis 1. Last evaluated: 2018-12-14. Review status: criteria provided, single submitter. Criteria: Invitae Variant Classification Sherloc (09022015). Collection method: clinical testing. Allele origin: germline.
Comment: This variant occurs in a non-coding region of the APC gene. It does not change the encoded amino acid sequence of the APC protein. In summary, the available evidence is currently insufficient to determine the role of this variant in disease. Therefore, it has been classified as a Variant of Uncertain Significance. Experimental studies and prediction algorithms are not available for this variant, and the functional significance of this non-coding change is currently unknown. This variant has not been reported in the literature in individuals with APC-related conditions. The frequency data for this variant in the population databases is considered unreliable, as metrics indicate insufficient coverage at this position in the ExAC database.

NC_000005.10:g.112707363G>A

Gene: APC (APC regulator of Wnt signaling pathway; plus strand). Cytogenetic location: 5q22.2.
Variant type: single nucleotide variant.
Genome position: GRCh38 VCF-style: chr5-112707363-G-A. GRCh37 (hg19) VCF-style: chr5-112043060-G-A.
Identifiers: ClinVar variation 659284 (VCV000659284.9), dbSNP rs1580995331, ClinGen allele CA915943567.